The following is an entry in ClinVar:

NM_000501.4(ELN):c.134G>C (p.Gly45Ala)

Gene: ELN (elastin; plus strand). Cytogenetic location: 7q11.23.
Variant type: single nucleotide variant.
Coding change: c.134G>C on transcript NM_000501.4 (MANE Select); coding-DNA position 134, G replaced by C.
Protein change: p.Gly45Ala; replaces glycine 45 with alanine.
Molecular consequence: missense variant. On other transcripts: intron variant (4).
Genome position (GRCh38, 1-based): chr7:74,036,555, G>C. VCF-style: chr7-74036555-G-C. GRCh37 (hg19) VCF-style: chr7-73450885-G-C.
Other names: c.134G>C, p.Gly45Ala (NM_001081753.3, NM_001081754.3, NM_001081755.3 and 5 more transcripts); c.133+1141G>C (NM_001278914.2, NM_001278917.2, NM_001081752.3 and 1 more transcripts); short protein forms G45A.
Identifiers: ClinVar variation 2055639 (VCV002055639.4), dbSNP rs2484848694, ClinGen allele CA367868912.
Genomic context (GRCh38, chr7:74,036,555, plus strand): 5'-CAGCGGGCTTGCCTGGCAGAAGTACCGATGATCTCTCTTTCTCTTTCTCTCCCCCCACAG[G>C]GGCTGGTCTCGGAGCCCTTGGAGGAGGAGGTGAGCTCAGAAACCACACTTGTTCATCACT-3'
Protein context (NP_000492.2, residues 35-55): GGVPGGVFYP[Gly45Ala]AGLGALGGGA

ClinVar aggregate classification (germline): Uncertain significance (1 of 4 stars; one submission).

Conditions:
Supravalvar aortic stenosis (SVAS). Also called: Supravalvar aortic stenosis, Eisenberg type. Identifiers: Orphanet 3193, MedGen C0003499, MONDO:0008504, OMIM 185500, HP:0004381.

Allele frequency attached by ClinVar (database versions not stated): gnomAD exomes below 0.00001.
gnomAD v4.1: 2 of 1,614,076 alleles (0.00012%); highest among the groups gnomAD compares: Non-Finnish European, 0.00017%; no homozygotes.

Submission:

Labcorp Genetics (formerly Invitae), Labcorp
Classification: Uncertain significance for Supravalvar aortic stenosis. Last evaluated: 2022-08-14. Review status: criteria provided, single submitter. Criteria: Invitae Variant Classification Sherloc (09022015). Collection method: clinical testing. Allele origin: germline.
Comment: In summary, the available evidence is currently insufficient to determine the role of this variant in disease. Therefore, it has been classified as a Variant of Uncertain Significance. Algorithms developed to predict the effect of missense changes on protein structure and function are either unavailable or do not agree on the potential impact of this missense change (SIFT: "Tolerated"; PolyPhen-2: "Not Available"; Align-GVGD: "Class C0"). This variant has not been reported in the literature in individuals affected with ELN-related conditions. This variant is not present in population databases (gnomAD no frequency). This sequence change replaces glycine, which is neutral and non-polar, with alanine, which is neutral and non-polar, at codon 45 of the ELN protein (p.Gly45Ala).